The following is an entry in ClinVar:

NM_003047.5(SLC9A1):c.2259G>A (p.Glu753=)

Gene: SLC9A1 (solute carrier family 9 member A1; minus strand). Cytogenetic location: 1p36.11.
Variant type: single nucleotide variant.
Coding change: c.2259G>A on transcript NM_003047.5 (MANE Select); coding-DNA position 2259, G replaced by A.
Protein change: p.Glu753=; no amino-acid change (glutamic acid 753 retained).
Molecular consequence: synonymous variant. On other transcripts: non-coding transcript variant (1).
Genome position (GRCh38, 1-based): chr1:27,100,496, C>T on the plus strand (G>A on the coding strand, the complement: SLC9A1 is on the minus strand). VCF-style: chr1-27100496-C-T. GRCh37 (hg19) VCF-style: chr1-27426987-C-T.
Other names: c.2259G>A (NM_003047.4).
Identifiers: ClinVar variation 2049412 (VCV002049412.6), dbSNP rs147966767, ClinGen allele CA710835.
Genomic context (GRCh38, chr1:27,100,496, plus strand): 5'-TCCTGGGGACGAAGTCTCCTTGCTCCGCATCATGATGCCCCCATCGTCGTCCTCGTCCTC[C>T]TCAGCCACCTTTGCAGGATCCCGGCTCAACCCTAAGACTTTGCCCTTCAGCTCTTCATTC-3'
Protein context (NP_003038.2, residues 743-763): GLSRDPAKVA[Glu753=]EDEDDDGGIM

ClinVar aggregate classification (germline): Benign/Likely benign. Review status: criteria provided, multiple submitters, no conflicts (2 of 4 stars). 3 submissions from 3 submitters: Benign (1); Likely benign (2). Last evaluated 2025-12-23.

Conditions:
SLC9A1-related disorder. Also called: SLC9A1-related condition.

Allele frequency attached by ClinVar (database versions not stated): gnomAD exomes 0.00011; ExAC 0.00028; ESP Exome Variant Server 0.00100; gnomAD 0.00100; TOPMed 0.00113; 1000 Genomes Project 30x 0.00203; 1000 Genomes Project 0.00240.
gnomAD v4.1: 317 of 1,614,130 alleles (0.02%); highest among the groups gnomAD compares: African/African-American, 0.37%; no homozygotes.

Submissions (3):

Labcorp Genetics (formerly Invitae), Labcorp
Classification: Benign. Last evaluated: 2025-12-23. Review status: criteria provided, single submitter. Criteria: Invitae Variant Classification Sherloc (09022015). Collection method: clinical testing. Allele origin: germline.

PreventionGenetics, part of Exact Sciences
Classification: Likely benign for SLC9A1-related condition. Last evaluated: 2024-11-20. Review status: criteria provided, single submitter. Criteria: ACMG Guidelines, 2015. Collection method: clinical testing. Allele origin: germline.
Comment: This variant is classified as likely benign based on ACMG/AMP sequence variant interpretation guidelines (Richards et al. 2015 PMID: 25741868, with internal and published modifications).

Blueprint Genetics
Classification: Likely benign. Last evaluated: 2024-09-11. Review status: criteria provided, single submitter. Criteria: ACMG Guidelines, 2015. Collection method: clinical testing. Allele origin: germline.